The following is an entry in ClinVar:

ClinVar aggregate classification (germline): Pathogenic/Likely pathogenic. Review status: criteria provided, multiple submitters, no conflicts (2 of 4 stars). 2 submissions from 2 submitters: Pathogenic (1); Likely pathogenic (1). Last evaluated 2024-03-29.

Conditions:
3-methylglutaconic aciduria type 5. Also called: MGA, TYPE V; 3 alpha methylglutaconic aciduria type V; MGA 5; CARDIOMYOPATHY, DILATED, WITH ATAXIA. Identifiers: Orphanet 66634, MedGen C1857776, MONDO:0012435, OMIM 610198.

Submissions (2):

Genomic Medicine Center of Excellence, King Faisal Specialist Hospital and Research Centre
Classification: Pathogenic for 3-methylglutaconic aciduria type 5. Last evaluated: 2024-03-29. Review status: criteria provided, single submitter. Criteria: ACMG Guidelines, 2015. Collection method: clinical testing. Allele origin: germline.

Labcorp Genetics (formerly Invitae), Labcorp
Classification: Likely pathogenic for 3-methylglutaconic aciduria type 5. Last evaluated: 2021-06-04. Review status: criteria provided, single submitter. Criteria: Invitae Variant Classification Sherloc (09022015). Collection method: clinical testing. Allele origin: germline.
Comment: In summary, the currently available evidence indicates that the variant is pathogenic, but additional data are needed to prove that conclusively. Therefore, this variant has been classified as Likely Pathogenic. Algorithms developed to predict the effect of sequence changes on RNA splicing suggest that this variant may disrupt the consensus splice site, but this prediction has not been confirmed by published transcriptional studies. This variant has not been reported in the literature in individuals with DNAJC19-related conditions. This variant is not present in population databases (ExAC no frequency). This sequence change affects a donor splice site in intron 2 of the DNAJC19 gene. It is expected to disrupt RNA splicing. Variants that disrupt the donor or acceptor splice site typically lead to a loss of protein function (PMID: 16199547), and loss-of-function variants in DNAJC19 are known to be pathogenic (PMID: 16055927, 27928778).

Literature cited by the submitters: PubMed 16199547 (cited by Labcorp Genetics (formerly Invitae), Labcorp); PubMed 16055927 (cited by Labcorp Genetics (formerly Invitae), Labcorp); PubMed 27928778 (cited by Labcorp Genetics (formerly Invitae), Labcorp).

NM_145261.4(DNAJC19):c.55+1G>A

Gene: DNAJC19 (DnaJ heat shock protein family (Hsp40) member C19; minus strand). Cytogenetic location: 3q26.33.
Variant type: single nucleotide variant.
Coding change: c.55+1G>A on transcript NM_145261.4 (MANE Select); the canonical splice donor site of the intron after coding-DNA position 55, G replaced by A.
Molecular consequence: splice donor variant.
Genome position (GRCh38, 1-based): chr3:180,988,177, C>T on the plus strand (G>A on the coding strand, the complement: DNAJC19 is on the minus strand). VCF-style: chr3-180988177-C-T. GRCh37 (hg19) VCF-style: chr3-180705965-C-T.
Other names: c.-21+1G>A (NM_001190233.2).
Identifiers: ClinVar variation 1349917 (VCV001349917.9), dbSNP rs2108509746, ClinGen allele CA355472760.